The following is an entry in ClinVar:

NM_018136.5(ASPM):c.3031A>G (p.Ile1011Val)

Gene: ASPM (assembly factor for spindle microtubules; minus strand). Cytogenetic location: 1q31.3.
Variant type: single nucleotide variant.
Coding change: c.3031A>G on transcript NM_018136.5 (MANE Select); coding-DNA position 3031, A replaced by G.
Protein change: p.Ile1011Val; replaces isoleucine 1011 with valine.
Molecular consequence: missense variant.
Genome position (GRCh38, 1-based): chr1:197,125,097, T>C on the plus strand (A>G on the coding strand, the complement: ASPM is on the minus strand). VCF-style: chr1-197125097-T-C. GRCh37 (hg19) VCF-style: chr1-197094227-T-C.
Other names: c.3031A>G, p.Ile1011Val (NM_001206846.2); c.3031A>G (NM_018136.4); short protein forms I1011V.
Identifiers: ClinVar variation 1926242 (VCV001926242.6), dbSNP rs536317935, ClinGen allele CA1310276.

ClinVar aggregate classification (germline): Conflicting classifications of pathogenicity. Review status: criteria provided, conflicting classifications (1 of 4 stars). 2 submissions from 2 submitters: Uncertain significance (1); Likely benign (1). Last evaluated 2023-11-13.

Conditions:
Inborn genetic diseases. Identifiers: MedGen C0950123, MeSH D030342.

Allele frequency attached by ClinVar (database versions not stated): TOPMed below 0.00001; gnomAD 0.00001; ExAC 0.00005; 1000 Genomes Project 30x 0.00016; 1000 Genomes Project 0.00020.
gnomAD v4.1: 31 of 1,614,094 alleles (0.0019%); highest among the groups gnomAD compares: South Asian, 0.032%; no homozygotes.

Submissions (2):

Ambry Genetics
Classification: Likely benign for Inborn genetic diseases. Last evaluated: 2023-11-13. Review status: criteria provided, single submitter. Criteria: Ambry Variant Classification Scheme 2023. Collection method: clinical testing. Allele origin: germline.

Labcorp Genetics (formerly Invitae), Labcorp
Classification: Uncertain significance. Last evaluated: 2022-01-02. Review status: criteria provided, single submitter. Criteria: Invitae Variant Classification Sherloc (09022015). Collection method: clinical testing. Allele origin: germline.
Comment: In summary, the available evidence is currently insufficient to determine the role of this variant in disease. Therefore, it has been classified as a Variant of Uncertain Significance. Algorithms developed to predict the effect of missense changes on protein structure and function output the following: SIFT: "Tolerated"; PolyPhen-2: "Benign"; Align-GVGD: "Class C0". The valine amino acid residue is found in multiple mammalian species, which suggests that this missense change does not adversely affect protein function. This variant has not been reported in the literature in individuals affected with ASPM-related conditions. This variant is present in population databases (rs536317935, gnomAD 0.04%). This sequence change replaces isoleucine, which is neutral and non-polar, with valine, which is neutral and non-polar, at codon 1011 of the ASPM protein (p.Ile1011Val).